The following is an entry in ClinVar:

NM_000138.5(FBN1):c.5917+314A>G

Gene: FBN1 (fibrillin 1; minus strand). Cytogenetic location: 15q21.1.
Variant type: single nucleotide variant.
Coding change: c.5917+314A>G on transcript NM_000138.5 (MANE Select); 314 bases into the intron after coding-DNA position 5917, A replaced by G.
Molecular consequence: intron variant.
Genome position (GRCh38, 1-based): chr15:48,445,062, T>C on the plus strand (A>G on the coding strand, the complement: FBN1 is on the minus strand). VCF-style: chr15-48445062-T-C. GRCh37 (hg19) VCF-style: chr15-48737259-T-C.
Identifiers: ClinVar variation 668566 (VCV000668566.1), dbSNP rs118100306, ClinGen allele CA269532329.

ClinVar aggregate classification (germline): Likely benign (1 of 4 stars; one submission).

Allele frequency attached by ClinVar (database versions not stated): gnomAD 0.02003 and 0.02143; TOPMed 0.02337; 1000 Genomes Project 30x 0.04029; 1000 Genomes Project 0.04273.
gnomAD v4.1: 3,295 of 150,098 alleles (2.2%); highest among the groups gnomAD compares: East Asian, 8.4%; 70 homozygotes.

Submission:

GeneDx
Classification: Likely benign. Last evaluated: 2018-06-14. Review status: criteria provided, single submitter. Criteria: GeneDx Variant Classification (06012015). Collection method: clinical testing. Allele origin: germline. Affected: yes.
Comment: This variant is considered likely benign or benign based on one or more of the following criteria: it is a conservative change, it occurs at a poorly conserved position in the protein, it is predicted to be benign by multiple in silico algorithms, and/or has population frequency not consistent with disease.